The following is an entry in ClinVar:

NM_005876.5(SPEG):c.4018C>T (p.Arg1340Trp)

Gene: SPEG (striated muscle enriched protein kinase; plus strand). Cytogenetic location: 2q35.
Variant type: single nucleotide variant.
Coding change: c.4018C>T on transcript NM_005876.5 (MANE Select); coding-DNA position 4018, C replaced by T.
Protein change: p.Arg1340Trp; replaces arginine 1340 with tryptophan.
Molecular consequence: missense variant.
Genome position (GRCh38, 1-based): chr2:219,472,967, C>T. VCF-style: chr2-219472967-C-T. GRCh37 (hg19) VCF-style: chr2-220337689-C-T.
Other names: c.4018C>T (NM_005876.4); short protein forms R1340W.
Identifiers: ClinVar variation 1442510 (VCV001442510.8), dbSNP rs543439721, ClinGen allele CA2126376.

ClinVar aggregate classification (germline): Uncertain significance. Review status: criteria provided, multiple submitters, no conflicts (2 of 4 stars). 2 submissions from 2 submitters: Uncertain significance (2). Last evaluated 2025-12-31.

Conditions:
Inborn genetic diseases. Identifiers: MedGen C0950123, MeSH D030342.

Allele frequency attached by ClinVar (database versions not stated): gnomAD 0.00016 and 0.00017; 1000 Genomes Project 0.00020; 1000 Genomes Project 30x 0.00031; TOPMed 0.00034.
gnomAD v4.1: 42 of 1,613,704 alleles (0.0026%); highest among the groups gnomAD compares: Admixed American, 0.047%; no homozygotes.

Submissions (2):

Ambry Genetics
Classification: Uncertain significance for Inborn genetic diseases. Last evaluated: 2025-12-31. Review status: criteria provided, single submitter. Criteria: Ambry Variant Classification Scheme 2023. Collection method: clinical testing. Allele origin: germline.
Comment: The c.4018C>T (p.R1340W) alteration is located in exon 16 (coding exon 16) of the SPEG gene. This alteration results from a C to T substitution at nucleotide position 4018, causing the arginine (R) at amino acid position 1340 to be replaced by a tryptophan (W). Based on data from gnomAD, the T allele has an overall frequency of 0.002% (6/279624) total alleles studied. The highest observed frequency was 0.028% (2/7112) of Other alleles. Based on insufficient or conflicting evidence, the clinical significance of this alteration remains unclear.

Labcorp Genetics (formerly Invitae), Labcorp
Classification: Uncertain significance. Last evaluated: 2024-12-19. Review status: criteria provided, single submitter. Criteria: Invitae Variant Classification Sherloc (09022015). Collection method: clinical testing. Allele origin: germline.
Comment: This sequence change replaces arginine, which is basic and polar, with tryptophan, which is neutral and slightly polar, at codon 1340 of the SPEG protein (p.Arg1340Trp). This variant is present in population databases (rs543439721, gnomAD 0.009%). This variant has not been reported in the literature in individuals affected with SPEG-related conditions. ClinVar contains an entry for this variant (Variation ID: 1442510). An algorithm developed to predict the effect of missense changes on protein structure and function (PolyPhen-2) suggests that this variant is likely to be disruptive. In summary, the available evidence is currently insufficient to determine the role of this variant in disease. Therefore, it has been classified as a Variant of Uncertain Significance.